The following is an entry in ClinVar:

NM_020778.5(ALPK3):c.2181G>C (p.Glu727Asp)

Gene: ALPK3 (alpha kinase 3; plus strand). Cytogenetic location: 15q25.3.
Variant type: single nucleotide variant.
Coding change: c.2181G>C on transcript NM_020778.5 (MANE Select); coding-DNA position 2181, G replaced by C.
Protein change: p.Glu727Asp; replaces glutamic acid 727 with aspartic acid.
Molecular consequence: missense variant.
Genome position (GRCh38, 1-based): chr15:84,856,919, G>C. VCF-style: chr15-84856919-G-C. GRCh37 (hg19) VCF-style: chr15-85400150-G-C.
Other names: short protein forms E929D, E727D.
Identifiers: ClinVar variation 423316 (VCV000423316.19), dbSNP rs56191073, ClinGen allele CA7709356.

ClinVar aggregate classification (germline): Conflicting classifications of pathogenicity. Review status: criteria provided, conflicting classifications (1 of 4 stars). 8 submissions from 8 submitters: Uncertain significance (1); Benign (2); Likely benign (5). Last evaluated 2026-03-27.

Conditions:
Cardiomyopathy, familial hypertrophic 27. Identifiers: MedGen C4748014, MONDO:0054838, OMIM 618052.
ALPK3-related disorder. Also called: ALPK3-related condition.
Cardiovascular phenotype. Identifiers: MedGen CN230736.

Allele frequency attached by ClinVar (database versions not stated): gnomAD exomes 0.00004 and 0.00027; gnomAD 0.00009 and 0.00011; TOPMed 0.00017; ExAC 0.00028; 1000 Genomes Project 30x 0.00031; 1000 Genomes Project 0.00040.
gnomAD v4.1: 98 of 1,614,060 alleles (0.0061%); highest among the groups gnomAD compares: East Asian, 0.15%; 1 homozygote.

Submissions (8):

Molecular Diagnostic Laboratory for Inherited Cardiovascular Disease, Montreal Heart Institute
Classification: Likely benign. Last evaluated: 2026-03-27. Review status: criteria provided, single submitter. Criteria: ACMG Guidelines, 2015. Collection method: clinical testing. Allele origin: germline. Affected: no.
Comment: BS1;BP4

Labcorp Genetics (formerly Invitae), Labcorp
Classification: Benign. Last evaluated: 2026-02-01. Review status: criteria provided, single submitter. Criteria: Invitae Variant Classification Sherloc (09022015). Collection method: clinical testing. Allele origin: germline.

PreventionGenetics, part of Exact Sciences
Classification: Likely benign for ALPK3-related condition. Last evaluated: 2025-10-24. Review status: criteria provided, single submitter. Criteria: ACMG Guidelines, 2015. Collection method: clinical testing. Allele origin: germline.
Comment: This variant is classified as likely benign based on ACMG/AMP sequence variant interpretation guidelines (Richards et al. 2015 PMID: 25741868, with internal and published modifications).

Blueprint Genetics
Classification: Likely benign. Last evaluated: 2024-11-25. Review status: criteria provided, single submitter. Criteria: ACMG Guidelines, 2015. Collection method: clinical testing. Allele origin: germline.

Women's Health and Genetics/Laboratory Corporation of America, LabCorp
Classification: Uncertain significance. Last evaluated: 2023-11-20. Review status: criteria provided, single submitter. Criteria: LabCorp Variant Classification Summary - May 2015. Collection method: clinical testing. Allele origin: germline.
Comment: Variant summary: ALPK3 c.2181G>C (p.Glu727Asp) results in a conservative amino acid change in the encoded protein sequence. Three of three in-silico tools predict a benign effect of the variant on protein function. The variant allele was found at a frequency of 0.00027 in 251196 control chromosomes in the gnomAD database, including 1 homozygotes. This frequency is not significantly higher than estimated for a pathogenic variant in ALPK3 causing Cardiomyopathy (0.00027 vs 0.0071), allowing no conclusion about variant significance. To our knowledge, no occurrence of c.2181G>C in individuals affected with Cardiomyopathy and no experimental evidence demonstrating its impact on protein function have been reported. Four submitters have cited clinical-significance assessments for this variant to ClinVar after 2014. All submitters classified the variant as benign/likely benign. Based on the evidence outlined above, the variant was classified as uncertain significance.

ARUP Laboratories, Molecular Genetics and Genomics, ARUP Laboratories
Classification: Benign for Cardiomyopathy, familial hypertrophic 27. Last evaluated: 2022-03-09. Review status: criteria provided, single submitter. Criteria: ARUP Molecular Germline Variant Investigation Process 2021. Collection method: clinical testing. Allele origin: germline.

Ambry Genetics
Classification: Likely benign for Cardiovascular phenotype. Last evaluated: 2020-12-29. Review status: criteria provided, single submitter. Criteria: Ambry Variant Classification Scheme 2023. Collection method: clinical testing. Allele origin: germline.

GeneDx
Classification: Likely benign. Last evaluated: 2019-02-22. Review status: criteria provided, single submitter. Criteria: GeneDx Variant Classification Process June 2021. Collection method: clinical testing. Allele origin: germline. Affected: yes.